The following is an entry in ClinVar:

ClinVar aggregate classification (germline): Uncertain significance (1 of 4 stars; one submission).

Allele frequency attached by ClinVar (database versions not stated): gnomAD exomes 0.00001; gnomAD 0.00003; TOPMed 0.00003; 1000 Genomes Project 0.00020; 1000 Genomes Project 30x 0.00031.

Submission:

Labcorp Genetics (formerly Invitae), Labcorp
Classification: Uncertain significance. Last evaluated: 2022-07-28. Review status: criteria provided, single submitter. Criteria: Invitae Variant Classification Sherloc (09022015). Collection method: clinical testing. Allele origin: germline.
Comment: This sequence change replaces methionine, which is neutral and non-polar, with threonine, which is neutral and polar, at codon 998 of the SEC24D protein (p.Met998Thr). This variant is present in population databases (rs199875582, gnomAD 0.006%). This variant has not been reported in the literature in individuals affected with SEC24D-related conditions. Algorithms developed to predict the effect of missense changes on protein structure and function are either unavailable or do not agree on the potential impact of this missense change (SIFT: "Not Available"; PolyPhen-2: "Benign"; Align-GVGD: "Not Available"). In summary, the available evidence is currently insufficient to determine the role of this variant in disease. Therefore, it has been classified as a Variant of Uncertain Significance.

NM_014822.4(SEC24D):c.2993T>C (p.Met998Thr)

Gene: SEC24D (SEC24 homolog D, COPII coat complex component; minus strand). Cytogenetic location: 4q26.
Variant type: single nucleotide variant.
Coding change: c.2993T>C on transcript NM_014822.4 (MANE Select); coding-DNA position 2993, T replaced by C.
Protein change: p.Met998Thr; replaces methionine 998 with threonine.
Molecular consequence: missense variant.
Genome position (GRCh38, 1-based): chr4:118,723,621, A>G on the plus strand (T>C on the coding strand, the complement: SEC24D is on the minus strand). VCF-style: chr4-118723621-A-G. GRCh37 (hg19) VCF-style: chr4-119644776-A-G.
Other names: c.2996T>C, p.Met999Thr (NM_001318066.2); short protein forms M998T, M999T.
Identifiers: ClinVar variation 2180330 (VCV002180330.1), dbSNP rs199875582, ClinGen allele CA104638642.